The following is an entry in ClinVar:

ClinVar aggregate classification (germline): Uncertain significance (1 of 4 stars; one submission).

Conditions:
Charcot-Marie-Tooth Neuropathy X. Identifiers: MedGen CN118851.

Submission:

Labcorp Genetics (formerly Invitae), Labcorp
Classification: Uncertain significance for Charcot-Marie-Tooth Neuropathy X. Last evaluated: 2021-03-08. Review status: criteria provided, single submitter. Criteria: Invitae Variant Classification Sherloc (09022015). Collection method: clinical testing. Allele origin: germline.
Comment: Experimental studies and prediction algorithms are not available or were not evaluated, and the functional significance of this variant is currently unknown. This variant, c.165_166insGAT, results in the insertion of 1 amino acid(s) to the GJB1 protein (p.Thr55_Leu56insAsp), but otherwise preserves the integrity of the reading frame. This variant is not present in population databases (ExAC no frequency). This variant has been observed in individual(s) with Charcot-Marie-Tooth disease (Invitae). Algorithms developed to predict the effect of sequence changes on RNA splicing suggest that this variant may create or strengthen a splice site, but this prediction has not been confirmed by published transcriptional studies. This variant disrupts the p.Thr55 amino acid residue in GJB1. Other variant(s) that disrupt this residue have been determined to be pathogenic (PMID: 30196252, 19369543). This suggests that this residue is clinically significant, and that variants that disrupt this residue are likely to be disease-causing. In summary, the available evidence is currently insufficient to determine the role of this variant in disease. Therefore, it has been classified as a Variant of Uncertain Significance.

Literature cited by the submitters: PubMed 30196252; PubMed 19369543.

NM_000166.6(GJB1):c.165_166insGAT (p.Thr55_Leu56insAsp)

Gene: GJB1 (gap junction protein beta 1; plus strand). Cytogenetic location: Xq13.1.
Variant type: Insertion.
Coding change: c.165_166insGAT on transcript NM_000166.6 (MANE Select); coding-DNA positions 165 to 166, GAT inserted.
Protein change: p.Thr55_Leu56insAsp.
Molecular consequence: inframe insertion.
Genome position: GRCh38 VCF-style: chrX-71223872-A-AGAT. GRCh37 (hg19) VCF-style: chrX-70443722-A-AGAT.
Other names: c.165_166insGAT, p.Thr55_Leu56insAsp (NM_001097642.3).
Identifiers: ClinVar variation 1519749 (VCV001519749.8), dbSNP rs2147945352, ClinGen allele CA2573159494.